The following is an entry in ClinVar:

ClinVar aggregate classification (germline): Benign. Review status: criteria provided, multiple submitters, no conflicts (2 of 4 stars). 3 submissions from 3 submitters: Benign (2). 1 of the submissions does not count toward it. Last evaluated 2026-02-01.

Conditions:
CELSR2-related disorder. Also called: CELSR2-related condition.

Allele frequency attached by ClinVar (database versions not stated): gnomAD exomes 0.09008 and 0.09488; 1000 Genomes Project 0.11641; 1000 Genomes Project 30x 0.12258; gnomAD 0.14298 and 0.15171; ESP Exome Variant Server 0.15531; ExAC 0.12729; TOPMed 0.14950.
gnomAD v4.1: 159,676 of 1,601,166 alleles (10%); highest among the groups gnomAD compares: African/African-American, 28%; 9,868 homozygotes.

Submissions (3):

Labcorp Genetics (formerly Invitae), Labcorp
Classification: Benign. Last evaluated: 2026-02-01. Review status: criteria provided, single submitter. Criteria: Invitae Variant Classification Sherloc (09022015). Collection method: clinical testing. Allele origin: germline.

Breakthrough Genomics
Classification: Benign. Review status: criteria provided, single submitter. Criteria: ACMG Guidelines, 2015. Collection method: not provided. Allele origin: germline. Inheritance: Unknown mechanism. Affected: yes.

PreventionGenetics, part of Exact Sciences
Classification: Benign for CELSR2-related condition. Last evaluated: 2019-11-13. Review status: no assertion criteria provided. Collection method: clinical testing. Allele origin: germline. Not counted in ClinVar's aggregate classification.
Comment: This variant is classified as benign based on ACMG/AMP sequence variant interpretation guidelines (Richards et al. 2015 PMID: 25741868, with internal and published modifications).

NM_001408.3(CELSR2):c.3378C>T (p.Thr1126=)

Gene: CELSR2 (cadherin EGF LAG seven-pass G-type receptor 2; plus strand). Cytogenetic location: 1p13.3.
Variant type: single nucleotide variant.
Coding change: c.3378C>T on transcript NM_001408.3 (MANE Select); coding-DNA position 3378, C replaced by T.
Protein change: p.Thr1126=; no amino-acid change (threonine 1126 retained).
Molecular consequence: synonymous variant.
Genome position (GRCh38, 1-based): chr1:109,258,499, C>T. VCF-style: chr1-109258499-C-T. GRCh37 (hg19) VCF-style: chr1-109801121-C-T.
Other names: c.3378C>T (NM_001408.2).
Identifiers: ClinVar variation 1540563 (VCV001540563.11), dbSNP rs684138, ClinGen allele CA986935.